The following is an entry in ClinVar:

ClinVar aggregate classification (germline): Uncertain significance. Review status: criteria provided, multiple submitters, no conflicts (2 of 4 stars). 2 submissions from 2 submitters: Uncertain significance (2). Last evaluated 2025-07-20.

Conditions:
Hereditary sensory and autonomic neuropathy type 7. Also called: Neuropathy, hereditary sensory and autonomic, type VII; HSAN VII. Identifiers: Orphanet 391397, MedGen C3809882, MONDO:0014244, OMIM 615548.
Familial episodic pain syndrome with predominantly lower limb involvement. Also called: Episodic pain syndrome, familial, 3. Identifiers: Orphanet 391384, Orphanet 391392, MedGen C3809899, MONDO:0014247, OMIM 615552.

Allele frequency attached by ClinVar (database versions not stated): ESP Exome Variant Server 0.00015.
gnomAD v4.1: 2 of 1,613,884 alleles (0.00012%); highest among the groups gnomAD compares: Non-Finnish European, 0.00017%; no homozygotes.

Submissions (2):

Labcorp Genetics (formerly Invitae), Labcorp
Classification: Uncertain significance for Familial episodic pain syndrome with predominantly lower limb involvement; Hereditary sensory and autonomic neuropathy type 7. Last evaluated: 2025-07-20. Review status: criteria provided, single submitter. Criteria: Invitae Variant Classification Sherloc (09022015). Collection method: clinical testing. Allele origin: germline.
Comment: This sequence change replaces arginine, which is basic and polar, with glycine, which is neutral and non-polar, at codon 500 of the SCN11A protein (p.Arg500Gly). This variant is present in population databases (rs367770852, gnomAD 0.0009%). This variant has not been reported in the literature in individuals affected with SCN11A-related conditions. ClinVar contains an entry for this variant (Variation ID: 1215205). An algorithm developed to predict the effect of missense changes on protein structure and function (PolyPhen-2) suggests that this variant is likely to be disruptive. In summary, the available evidence is currently insufficient to determine the role of this variant in disease. Therefore, it has been classified as a Variant of Uncertain Significance.

GeneDx
Classification: Uncertain significance. Last evaluated: 2020-04-21. Review status: criteria provided, single submitter. Criteria: GeneDx Variant Classification Process June 2021. Collection method: clinical testing. Allele origin: germline. Affected: yes.
Comment: Not observed at a significant frequency in large population cohorts (Lek et al., 2016); In silico analysis, which includes protein predictors and evolutionary conservation, supports that this variant does not alter protein structure/function; Has not been previously published as pathogenic or benign to our knowledge

NM_001349253.2(SCN11A):c.1498C>G (p.Arg500Gly)

Gene: SCN11A (sodium voltage-gated channel alpha subunit 11; minus strand). Cytogenetic location: 3p22.2.
Variant type: single nucleotide variant.
Coding change: c.1498C>G on transcript NM_001349253.2 (MANE Select); coding-DNA position 1498, C replaced by G.
Protein change: p.Arg500Gly; replaces arginine 500 with glycine.
Molecular consequence: missense variant.
Genome position (GRCh38, 1-based): chr3:38,905,297, G>C on the plus strand (C>G on the coding strand, the complement: SCN11A is on the minus strand). VCF-style: chr3-38905297-G-C. GRCh37 (hg19) VCF-style: chr3-38946788-G-C.
Other names: c.1498C>G, p.Arg500Gly (NM_014139.3); short protein forms R500G.
Identifiers: ClinVar variation 1215205 (VCV001215205.4), dbSNP rs367770852, ClinGen allele CA2322283.